The following is an entry in ClinVar:

ClinVar aggregate classification (germline): Benign. Review status: criteria provided, multiple submitters, no conflicts (2 of 4 stars). 2 submissions from 2 submitters: Benign (2). Last evaluated 2018-01-13.

Conditions:
Farber lipogranulomatosis (FRBRL). Also called: Farber's lipogranulomatosis; Farber's disease; Farber disease; AC DEFICIENCY; ACID CERAMIDASE DEFICIENCY; CERAMIDASE DEFICIENCY. Identifiers: Orphanet 333, MedGen C0268255, MONDO:0009218, OMIM 228000.

Allele frequency attached by ClinVar (database versions not stated): gnomAD exomes 0.50000; 1000 Genomes Project 0.71725; 1000 Genomes Project 30x 0.72486; gnomAD 0.76266 and 0.77181; TOPMed 0.76317.
gnomAD v4.1: 115,947 of 152,126 alleles (76%); highest among the groups gnomAD compares: African/African-American, 92%; 44,952 homozygotes.

Submissions (2):

Illumina Laboratory Services, Illumina
Classification: Benign for Farber lipogranulomatosis. Last evaluated: 2018-01-13. Review status: criteria provided, single submitter. Criteria: ICSL Variant Classification Criteria 13 December 2019. Collection method: clinical testing. Allele origin: germline.
Comment: This variant was observed in the ICSL laboratory as part of a predisposition screen in an ostensibly healthy population. It had not been previously curated by ICSL or reported in the Human Gene Mutation Database (HGMD: prior to June 1st, 2018), and was therefore a candidate for classification through an automated scoring system. Utilizing variant allele frequency, disease prevalence and penetrance estimates, and inheritance mode, an automated score was calculated to assess if this variant is too frequent to cause the disease. Based on the score and internal cut-off values, a variant classified as benign is not then subjected to further curation. The score for this variant resulted in a classification of benign for this disease.

Breakthrough Genomics
Classification: Benign. Review status: criteria provided, single submitter. Criteria: ACMG Guidelines, 2015. Collection method: not provided. Allele origin: germline. Inheritance: Autosomal recessive inheritance. Affected: yes.

NM_177924.5(ASAH1):c.*1073C>T

Gene: ASAH1 (N-acylsphingosine amidohydrolase 1; minus strand). Cytogenetic location: 8p22.
Variant type: single nucleotide variant.
Coding change: c.*1073C>T on transcript NM_177924.5 (MANE Select); 1073 bases downstream of the stop codon, C replaced by T.
Molecular consequence: 3 prime UTR variant.
Genome position (GRCh38, 1-based): chr8:18,056,461, G>A on the plus strand (C>T on the coding strand, the complement: ASAH1 is on the minus strand). VCF-style: chr8-18056461-G-A. GRCh37 (hg19) VCF-style: chr8-17913970-G-A.
Other names: c.*1073C>T (NM_001127505.3, NM_001363743.2, NM_004315.6).
Identifiers: ClinVar variation 362350 (VCV000362350.6), dbSNP rs7508, ClinGen allele CA10630524.